The following is an entry in ClinVar:

ClinVar aggregate classification (germline): Uncertain significance (1 of 4 stars; one submission).

Conditions:
Early Myoclonic Encephalopathy. Identifiers: MedGen C0270855.

Allele frequency attached by ClinVar (database versions not stated): gnomAD exomes 0.00001 and 0.00002; ExAC 0.00002; gnomAD 0.00001; TOPMed 0.00002.
gnomAD v4.1: 23 of 1,613,114 alleles (0.0014%); highest among the groups gnomAD compares: East Asian, 0.0067%; no homozygotes.

Submission:

Labcorp Genetics (formerly Invitae), Labcorp
Classification: Uncertain significance for Early Myoclonic Encephalopathy. Last evaluated: 2023-10-16. Review status: criteria provided, single submitter. Criteria: Invitae Variant Classification Sherloc (09022015). Collection method: clinical testing. Allele origin: germline.
Comment: This sequence change replaces leucine, which is neutral and non-polar, with serine, which is neutral and polar, at codon 950 of the JMJD1C protein (p.Leu950Ser). This variant is present in population databases (rs773457572, gnomAD 0.007%). This variant has not been reported in the literature in individuals affected with JMJD1C-related conditions. ClinVar contains an entry for this variant (Variation ID: 655309). Advanced modeling of protein sequence and biophysical properties (such as structural, functional, and spatial information, amino acid conservation, physicochemical variation, residue mobility, and thermodynamic stability) performed at Invitae indicates that this missense variant is not expected to disrupt JMJD1C protein function. In summary, the available evidence is currently insufficient to determine the role of this variant in disease. Therefore, it has been classified as a Variant of Uncertain Significance.

NM_032776.3(JMJD1C):c.2849T>C (p.Leu950Ser)

Gene: JMJD1C (jumonji domain containing 1C; minus strand). Cytogenetic location: 10q21.3.
Variant type: single nucleotide variant.
Coding change: c.2849T>C on transcript NM_032776.3 (MANE Select); coding-DNA position 2849, T replaced by C.
Protein change: p.Leu950Ser; replaces leucine 950 with serine.
Molecular consequence: missense variant. On other transcripts: non-coding transcript variant (1).
Genome position (GRCh38, 1-based): chr10:63,209,081, A>G on the plus strand (T>C on the coding strand, the complement: JMJD1C is on the minus strand). VCF-style: chr10-63209081-A-G. GRCh37 (hg19) VCF-style: chr10-64968841-A-G.
Other names: c.2303T>C, p.Leu768Ser (NM_001282948.2, NM_001318154.2); c.1985T>C, p.Leu662Ser (NM_001318153.2); c.2735T>C, p.Leu912Ser (NM_001322252.2); c.2192T>C, p.Leu731Ser (NM_001322254.2, NM_001322258.2); short protein forms L912S, L950S, L662S, L731S, L768S.
Identifiers: ClinVar variation 655309 (VCV000655309.8), dbSNP rs773457572, ClinGen allele CA5518550.